The following is an entry in ClinVar:

NM_000264.5(PTCH1):c.1097del (p.Gln365_Leu366insTer)

Gene: PTCH1 (patched 1; minus strand). Cytogenetic location: 9q22.32.
Variant type: Deletion.
Coding change: c.1097del on transcript NM_000264.5 (MANE Select); coding-DNA position 1097, one base deleted (T; older notation c.1097delT).
Protein change: p.Gln365_Leu366insTer.
Molecular consequence: nonsense. On other transcripts: non-coding transcript variant (1).
Genome position (GRCh38, 1-based): chr9:95,479,118, A deleted on the plus strand (T on the coding strand, the reverse complement: PTCH1 is on the minus strand); the first of 2 consecutive A bases (chr9:95,479,118-95,479,119); deleting either gives the same sequence. VCF-style (leftmost placement, unchanged base first): chr9-95479117-TA-T. GRCh37 (hg19) VCF-style: chr9-98241399-TA-T.
Other names: c.1094del, p.Gln364_Leu365insTer (NM_001083603.3); c.644del, p.Gln214_Leu215insTer (NM_001083604.3, NM_001083605.3, NM_001083606.3 and 1 more transcripts); c.1097del, p.Gln365_Leu366insTer (NM_001354918.2); c.899del, p.Gln299_Leu300insTer (NM_001083602.3).
Identifiers: ClinVar variation 1709597 (VCV001709597.2), dbSNP rs2538217687, ClinGen allele CA2580080868.

ClinVar aggregate classification (germline): Likely pathogenic (1 of 4 stars; one submission).

Conditions:
Gorlin syndrome. Also called: Nevoid Basal Cell Carcinoma Syndrome; Basal cell nevus syndrome. Identifiers: Orphanet 377, MedGen C0004779, MONDO:0007187.

Submission:

MGZ Medical Genetics Center
Classification: Likely pathogenic for Basal cell nevus syndrome 1. Last evaluated: 2021-06-29. Review status: criteria provided, single submitter. Criteria: ACMG Guidelines, 2015. Collection method: clinical testing. Allele origin: germline. Affected: yes. Observed: 1 variant allele.
Comment: ACMG criteria applied: PVS1, PM2_SUP